The following is an entry in ClinVar:

ClinVar aggregate classification (germline): Conflicting classifications of pathogenicity. Review status: criteria provided, conflicting classifications (1 of 4 stars). 2 submissions from 2 submitters: Uncertain significance (1); Likely benign (1). Last evaluated 2026-01-26.

Conditions:
Neurofibromatosis, type 1 (NF1). Also called: VON RECKLINGHAUSEN DISEASE; NEUROFIBROMATOSIS, TYPE I, SOMATIC; Peripheral type neurofibromatosis; Neurofibromatosis, type I. Identifiers: Orphanet 636, MedGen C0027831, MONDO:0018975, OMIM 162200. Disease mechanism: loss of function.

gnomAD v4.1: 3 of 1,614,202 alleles (0.00019%); highest among the groups gnomAD compares: Admixed American, 0.0033%; no homozygotes.

Submissions (2):

Labcorp Genetics (formerly Invitae), Labcorp
Classification: Likely benign for Neurofibromatosis, type 1. Last evaluated: 2026-01-26. Review status: criteria provided, single submitter. Criteria: Invitae Variant Classification Sherloc (09022015). Collection method: clinical testing. Allele origin: germline.

GeneDx
Classification: Uncertain significance. Last evaluated: 2018-04-27. Review status: criteria provided, single submitter. Criteria: GeneDx Variant Classification (06012015). Collection method: clinical testing. Allele origin: germline. Affected: yes.
Comment: This variant is denoted NF1 c.6859-13T>A or IVS45-13T>A and consists of a T>A nucleotide substitution at the -13 position of intron 45 of the NF1 gene. In silico analyses, which include splice predictors and evolutionary conservation, are inconsistent in their assessment as to whether or not the variant is damaging.? This variant has not, to our knowledge, been published in the literature as pathogenic or benign. This variant was not observed in large population cohorts (Lek 2016). Based on currently available evidence, it is unclear whether NF1 c.6859-13T>A is a pathogenic or benign variant. We consider it to be a variant of uncertain significance.

NM_001042492.3(NF1):c.6922-13T>A

Gene: NF1 (neurofibromin 1; plus strand). Cytogenetic location: 17q11.2.
Variant type: single nucleotide variant.
Coding change: c.6922-13T>A on transcript NM_001042492.3 (MANE Select); 13 bases into the intron before coding-DNA position 6922, T replaced by A.
Molecular consequence: intron variant.
Genome position (GRCh38, 1-based): chr17:31,340,492, T>A. VCF-style: chr17-31340492-T-A. GRCh37 (hg19) VCF-style: chr17-29667510-T-A.
Other names: c.6859-13T>A (NM_000267.4).
Identifiers: ClinVar variation 561799 (VCV000561799.8), dbSNP rs199901687, ClinGen allele CA658824590.
Genomic context (GRCh38, chr17:31,340,492, plus strand): 5'-TAACTGCAGTGTGTTTTGAAAGAGACTATGTCATGATTCATCTTACTAGCCTCAAACATA[T>A]CTTCTTTGCCAGGACTCGCCTCTGCACAAAGCCCTCTTTTGGGTAGCTGTGGCTGTGCTG-3'